The following is an entry in ClinVar:

NM_004100.5(EYA4):c.349C>T (p.Leu117Phe)

Gene: EYA4 (EYA transcriptional coactivator and phosphatase 4; plus strand). Cytogenetic location: 6q23.2.
Variant type: single nucleotide variant.
Coding change: c.349C>T on transcript NM_004100.5 (MANE Select); coding-DNA position 349, C replaced by T.
Protein change: p.Leu117Phe; replaces leucine 117 with phenylalanine.
Molecular consequence: missense variant. On other transcripts: intron variant (2).
Genome position (GRCh38, 1-based): chr6:133,456,627, C>T. VCF-style: chr6-133456627-C-T. GRCh37 (hg19) VCF-style: chr6-133777765-C-T.
Other names: c.349C>T, p.Leu117Phe (NM_001301013.2, NM_172105.4); c.280C>T, p.Leu94Phe (NM_001370458.1, NM_172103.4); c.209-4487C>T (NM_001370459.1, NM_001301012.2); short protein forms L117F, L94F.
Identifiers: ClinVar variation 656589 (VCV000656589.13), dbSNP rs1044216762, ClinGen allele CA148045951.
Genomic context (GRCh38, chr6:133,456,627, plus strand): 5'-GCAGTCAAAACAGAGCCCTTGAACAGCAGTGAAACCACAGCCACGACTGGAGATGGAGCG[C>T]TTGACACTTTTACTGGGTCAGGTAAAGCCTTTAGCTCGTGTGTCCTTACGTACACATGGG-3'
Protein context (NP_004091.3, residues 107-127): ETTATTGDGA[Leu117Phe]DTFTGSVITS

ClinVar aggregate classification (germline): Uncertain significance. Review status: criteria provided, multiple submitters, no conflicts (2 of 4 stars). 4 submissions from 4 submitters: Uncertain significance (4). Last evaluated 2025-11-01.

Conditions:
Dilated cardiomyopathy 1J (CMD1J). Also called: CARDIOMYOPATHY, DILATED, WITH SENSORINEURAL HEARING LOSS, AUTOSOMAL DOMINANT. Identifiers: Orphanet 217622, MedGen C1854368, MONDO:0011541, OMIM 605362.
Cardiovascular phenotype. Identifiers: MedGen CN230736.

Allele frequency attached by ClinVar (database versions not stated): gnomAD 0.00001; gnomAD exomes 0.00002 and 0.00004; TOPMed 0.00003.
gnomAD v4.1: 58 of 1,613,032 alleles (0.0036%); highest among the groups gnomAD compares: Non-Finnish European, 0.0048%; no homozygotes.

Submissions (4):

Labcorp Genetics (formerly Invitae), Labcorp
Classification: Uncertain significance for Dilated cardiomyopathy 1J. Last evaluated: 2025-11-01. Review status: criteria provided, single submitter. Criteria: Invitae Variant Classification Sherloc (09022015). Collection method: clinical testing. Allele origin: germline.
Comment: This sequence change replaces leucine, which is neutral and non-polar, with phenylalanine, which is neutral and non-polar, at codon 117 of the EYA4 protein (p.Leu117Phe). This variant is present in population databases (no rsID available, gnomAD 0.003%). This variant has not been reported in the literature in individuals affected with EYA4-related conditions. ClinVar contains an entry for this variant (Variation ID: 656589). An algorithm developed to predict the effect of missense changes on protein structure and function (PolyPhen-2) suggests that this variant is likely to be disruptive. In summary, the available evidence is currently insufficient to determine the role of this variant in disease. Therefore, it has been classified as a Variant of Uncertain Significance.

Ambry Genetics
Classification: Uncertain significance for Cardiovascular phenotype. Last evaluated: 2024-11-30. Review status: criteria provided, single submitter. Criteria: Ambry Variant Classification Scheme 2023. Collection method: clinical testing. Allele origin: germline.
Comment: The p.L117F variant (also known as c.349C>T), located in coding exon 5 of the EYA4 gene, results from a C to T substitution at nucleotide position 349. The leucine at codon 117 is replaced by phenylalanine, an amino acid with highly similar properties. This amino acid position is conserved. In addition, the in silico prediction for this alteration is inconclusive. Since supporting evidence is limited at this time, the clinical significance of this alteration remains unclear.

GeneDx
Classification: Uncertain significance. Last evaluated: 2024-01-30. Review status: criteria provided, single submitter. Criteria: GeneDx Variant Classification Process June 2021. Collection method: clinical testing. Allele origin: germline. Affected: yes.
Comment: Not observed at significant frequency in large population cohorts (gnomAD); In silico analysis supports that this missense variant does not alter protein structure/function; Has not been previously published as pathogenic or benign to our knowledge

Blueprint Genetics
Classification: Uncertain significance. Last evaluated: 2021-12-13. Review status: criteria provided, single submitter. Criteria: ACMG Guidelines, 2015. Collection method: clinical testing. Allele origin: germline.